The following is an entry in ClinVar:

ClinVar aggregate classification (germline): Uncertain significance. Review status: criteria provided, multiple submitters, no conflicts (2 of 4 stars). 3 submissions from 3 submitters: Uncertain significance (3). Last evaluated 2024-04-18.

Conditions:
Neuroblastoma, susceptibility to, 1. Identifiers: MedGen C2749485, MONDO:0009741, OMIM 256700.
Charcot-Marie-Tooth disease type 2A1. Also called: CHARCOT-MARIE-TOOTH DISEASE, AXONAL, TYPE 2A1; CHARCOT-MARIE-TOOTH DISEASE, AXONAL, AUTOSOMAL DOMINANT, TYPE 2A1; CHARCOT-MARIE-TOOTH DISEASE, NEURONAL, TYPE 2A1; CHARCOT-MARIE-TOOTH NEUROPATHY, TYPE 2A1; HEREDITARY MOTOR AND SENSORY NEUROPATHY IIA1. Identifiers: Orphanet 99946, MedGen C1861678, MONDO:0007308, OMIM 118210.
Charcot-Marie-Tooth disease type 2. Also called: Charcot-Marie-Tooth type 2. Identifiers: Orphanet 64746, MedGen C0270914, MONDO:0018993.

Allele frequency attached by ClinVar (database versions not stated): gnomAD exomes below 0.00001.
gnomAD v4.1: 2 of 1,612,574 alleles (0.00012%); highest among the groups gnomAD compares: Non-Finnish European, 0.00017%; no homozygotes.

Submissions (3):

Fulgent Genetics
Classification: Uncertain significance for Charcot-Marie-Tooth disease type 2A1; Neuroblastoma, susceptibility to, 1. Last evaluated: 2024-04-18. Review status: criteria provided, single submitter. Criteria: ACMG Guidelines, 2015. Collection method: clinical testing. Allele origin: germline.

Labcorp Genetics (formerly Invitae), Labcorp
Classification: Uncertain significance for Charcot-Marie-Tooth disease type 2. Last evaluated: 2024-01-09. Review status: criteria provided, single submitter. Criteria: Invitae Variant Classification Sherloc (09022015). Collection method: clinical testing. Allele origin: germline.
Comment: This sequence change falls in intron 33 of the KIF1B gene. It does not directly change the encoded amino acid sequence of the KIF1B protein. It affects a nucleotide within the consensus splice site. This variant is not present in population databases (gnomAD no frequency). This variant has not been reported in the literature in individuals affected with KIF1B-related conditions. ClinVar contains an entry for this variant (Variation ID: 1733688). Variants that disrupt the consensus splice site are a relatively common cause of aberrant splicing (PMID: 17576681, 9536098). Algorithms developed to predict the effect of sequence changes on RNA splicing suggest that this variant is not likely to affect RNA splicing. In summary, the available evidence is currently insufficient to determine the role of this variant in disease. Therefore, it has been classified as a Variant of Uncertain Significance.

Ambry Genetics
Classification: Uncertain significance. Last evaluated: 2022-06-15. Review status: criteria provided, single submitter. Criteria: Ambry Variant Classification Scheme 2023. Collection method: clinical testing. Allele origin: germline.
Comment: The c.3660-3T>C intronic variant results from a T to C substitution 3 nucleotides upstream from coding exon 33 in the KIF1B gene. This nucleotide position is not well conserved in available vertebrate species. In silico splice site analysis predicts that this alteration will not have any significant effect on splicing. Since supporting evidence is limited at this time, the clinical significance of this alteration remains unclear.

Literature cited by the submitters: PubMed 17576681 (cited by Labcorp Genetics (formerly Invitae), Labcorp); PubMed 9536098 (cited by Labcorp Genetics (formerly Invitae), Labcorp).

NM_001365951.3(KIF1B):c.3798-3T>C

Gene: KIF1B (kinesin family member 1B; plus strand). Cytogenetic location: 1p36.22.
Variant type: single nucleotide variant.
Coding change: c.3798-3T>C on transcript NM_001365951.3 (MANE Select); 3 bases into the intron before coding-DNA position 3798, T replaced by C.
Molecular consequence: intron variant.
Genome position (GRCh38, 1-based): chr1:10,347,758, T>C. VCF-style: chr1-10347758-T-C. GRCh37 (hg19) VCF-style: chr1-10407816-T-C.
Other names: c.3660-3T>C (NM_015074.3); c.3798-3T>C (NM_001365952.1).
Identifiers: ClinVar variation 1733688 (VCV001733688.6), dbSNP rs1652638541, ClinGen allele CA1153146899.
Genomic context (GRCh38, chr1:10,347,758, plus strand): 5'-CAGGGGCTAAGCCTTGCAGATGAAGTAGCACTTAGTTTTTTCTTTTGCGTTTCTATTTTT[T>C]AGGTATATCCCAGCTGTGGTTGACCACACAGCAGGCTTGCCTTGCCAGGGGACATTTTTG-3'